The following is an entry in ClinVar:

NM_001267550.2(TTN):c.107285G>A (p.Arg35762Gln)

Genes: TTN (titin; minus strand), TTN-AS1 (TTN antisense RNA 1; plus strand). Cytogenetic location: 2q31.2.
Variant type: single nucleotide variant.
Coding change: c.107285G>A on transcript NM_001267550.2 (MANE Select); coding-DNA position 107285, G replaced by A.
Protein change: p.Arg35762Gln; replaces arginine 35762 with glutamine.
Molecular consequence: missense variant.
Genome position (GRCh38, 1-based): chr2:178,528,366, C>T on the plus strand (G>A on the coding strand, the complement: TTN is on the minus strand). VCF-style: chr2-178528366-C-T. GRCh37 (hg19) VCF-style: chr2-179393093-C-T.
Other names: c.99581G>A, p.Arg33194Gln (NM_133378.4); c.102362G>A, p.Arg34121Gln (NM_001256850.1); c.80090G>A, p.Arg26697Gln (NM_003319.4); c.80465G>A, p.Arg26822Gln (NM_133432.3); c.80666G>A, p.Arg26889Gln (NM_133437.4); short protein forms R35762Q, R33194Q, R26822Q, R26889Q, R26697Q, R34121Q.
Identifiers: ClinVar variation 47719 (VCV000047719.10), dbSNP rs397517800, ClinGen allele CA141770.

ClinVar aggregate classification (germline): Uncertain significance. Review status: criteria provided, multiple submitters, no conflicts (2 of 4 stars). 3 submissions from 3 submitters: Uncertain significance (3). Last evaluated 2026-06-08.

Allele frequency attached by ClinVar (database versions not stated): ExAC 0.00003; gnomAD exomes 0.00004; TOPMed 0.00005; gnomAD 0.00003.
gnomAD v4.1: 49 of 1,613,772 alleles (0.003%); highest among the groups gnomAD compares: Admixed American, 0.027%; no homozygotes.

Submissions (3):

Women's Health and Genetics/Laboratory Corporation of America, LabCorp
Classification: Uncertain significance. Last evaluated: 2026-06-08. Review status: criteria provided, single submitter. Criteria: LabCorp Variant Classification Summary - May 2015. Collection method: clinical testing. Allele origin: germline.
Comment: Variant summary: TTN c.99581G>A (p.Arg33194Gln) results in a conservative amino acid change in the encoded protein sequence. Algorithms developed to predict the effect of missense changes on protein structure and function all suggest that this variant is likely to be tolerated. The variant allele was found at a frequency of 4e-05 in 249080 control chromosomes. This frequency is not significantly higher than estimated for disease-causing variants in TTN, allowing no conclusion about variant significance. c.99581G>A has been observed in one individual with clinical diagnosis of DCM and family history of heart disease and possible cardiomyopathy (Pugh_2014). The report does not provide unequivocal conclusions about association of the variant with disease. To our knowledge, no experimental evidence demonstrating an impact on protein function has been reported. The following publication have been ascertained in the context of this evaluation (PMID: 24503780). ClinVar contains an entry for this variant (Variation ID: 47719). Based on the evidence outlined above, the variant was classified as uncertain significance.

Eurofins Ntd Llc (ga)
Classification: Uncertain significance. Last evaluated: 2017-10-24. Review status: criteria provided, single submitter. Criteria: EGL Classification Definitions 2015. Collection method: clinical testing. Allele origin: germline. Observed: 1 variant allele, 1 heterozygote.

Laboratory for Molecular Medicine, Mass General Brigham Personalized Medicine
Classification: Uncertain significance. Last evaluated: 2012-08-14. Review status: criteria provided, single submitter. Criteria: LMM Criteria. Collection method: clinical testing. Allele origin: germline. Observed: 1 variant allele.
Comment: The Arg33194Gln variant in TTN has not been reported in the literature nor previ ously identified by our laboratory. Computational analyses (biochemical amino ac id properties, conservation, AlignGVGD, PolyPhen2, and SIFT) do not provide stro ng support for or against an impact to the protein. Additional information is ne eded to fully assess the clinical significance of the Arg33194Gln variant.

Literature cited by the submitters: PubMed 24503780 (cited by Women's Health and Genetics/Laboratory Corporation of America, LabCorp).